The following is an entry in ClinVar:

ClinVar aggregate classification (germline): Likely benign. Review status: criteria provided, multiple submitters, no conflicts (2 of 4 stars). 2 submissions from 2 submitters: Likely benign (2). Last evaluated 2026-06-23.

Conditions:
Nephronophthisis. Also called: Juvenile Nephronophthisis. Identifiers: Orphanet 655, MedGen C0687120, MONDO:0019005, HP:0000090.
INVS-related disorder. Also called: INVS-related condition.

Submissions (2):

PreventionGenetics, part of Exact Sciences
Classification: Likely benign for INVS-related condition. Last evaluated: 2026-06-23. Review status: criteria provided, single submitter. Criteria: ACMG Guidelines, 2015. Collection method: clinical testing. Allele origin: germline.
Comment: This variant is classified as likely benign based on ACMG/AMP sequence variant interpretation guidelines (Richards et al. 2015 PMID: 25741868, with internal and published modifications).

Labcorp Genetics (formerly Invitae), Labcorp
Classification: Likely benign for Nephronophthisis. Last evaluated: 2025-12-02. Review status: criteria provided, single submitter. Criteria: Invitae Variant Classification Sherloc (09022015). Collection method: clinical testing. Allele origin: germline.

NM_014425.5(INVS):c.2676C>T (p.Asp892=)

Gene: INVS (inversin; plus strand). Cytogenetic location: 9q31.1.
Variant type: single nucleotide variant.
Coding change: c.2676C>T on transcript NM_014425.5 (MANE Select); coding-DNA position 2676, C replaced by T.
Protein change: p.Asp892=; no amino-acid change (aspartic acid 892 retained).
Molecular consequence: synonymous variant. On other transcripts: non-coding transcript variant (1).
Genome position (GRCh38, 1-based): chr9:100,292,933, C>T. VCF-style: chr9-100292933-C-T. GRCh37 (hg19) VCF-style: chr9-103055215-C-T.
Other names: c.2676C>T (NM_014425.4); c.2388C>T, p.Asp796= (NM_001318381.2); c.1698C>T, p.Asp566= (NM_001318382.2).
Identifiers: ClinVar variation 2732654 (VCV002732654.4), dbSNP rs1464272717, ClinGen allele CA466649380.